The following is an entry in ClinVar:

ClinVar aggregate classification (germline): Pathogenic. Review status: criteria provided, single submitter (1 of 4 stars). 3 submissions from 3 submitters: Pathogenic (1). 2 of the submissions do not count toward it. Last evaluated 2023-07-28.

Conditions:
Alexander disease (ALXDRD). Also called: Alexander's disease. Identifiers: Orphanet 58, MedGen C0270726, MONDO:0008752, OMIM 203450.

gnomAD v4.1: 1 of 1,614,200 alleles (0.000062%); highest among the groups gnomAD compares: Non-Finnish European, 0.000085%; no homozygotes.

Submissions (3):

Labcorp Genetics (formerly Invitae), Labcorp
Classification: Pathogenic. Last evaluated: 2023-07-28. Review status: criteria provided, single submitter. Criteria: Invitae Variant Classification Sherloc (09022015). Collection method: clinical testing. Allele origin: germline.
Comment: For these reasons, this variant has been classified as Pathogenic. This variant disrupts the p.Asp78 amino acid residue in GFAP. Other variant(s) that disrupt this residue have been determined to be pathogenic (PMID: 26743065). This suggests that this residue is clinically significant, and that variants that disrupt this residue are likely to be disease-causing. Advanced modeling of protein sequence and biophysical properties (such as structural, functional, and spatial information, amino acid conservation, physicochemical variation, residue mobility, and thermodynamic stability) has been performed at Invitae for this missense variant, however the output from this modeling did not meet the statistical confidence thresholds required to predict the impact of this variant on GFAP protein function. ClinVar contains an entry for this variant (Variation ID: 16179). This missense change has been observed in individual(s) with Alexander disease (PMID: 12975300). It has also been observed to segregate with disease in related individuals. This variant is not present in population databases (gnomAD no frequency). This sequence change replaces aspartic acid, which is acidic and polar, with glutamic acid, which is acidic and polar, at codon 78 of the GFAP protein (p.Asp78Glu).

OMIM
Classification: Pathogenic for ALEXANDER DISEASE. Last evaluated: 2003-09-01. Review status: no assertion criteria provided. Collection method: literature only. Allele origin: germline. Not counted in ClinVar's aggregate classification.

GeneReviews
No classification provided. Condition: Alexander disease. Review status: no classification provided. Collection method: literature only. Allele origin: germline. Affected: yes. Not counted in ClinVar's aggregate classification.

Literature cited by the submitters: PubMed 26743065 (cited by Labcorp Genetics (formerly Invitae), Labcorp); PubMed 12975300 (cited by Labcorp Genetics (formerly Invitae), Labcorp and OMIM); NCBI Bookshelf NBK1172 (cited by GeneReviews).

NM_002055.5(GFAP):c.234C>A (p.Asp78Glu)

Gene: GFAP (glial fibrillary acidic protein; minus strand). Cytogenetic location: 17q21.31.
Variant type: single nucleotide variant.
Coding change: c.234C>A on transcript NM_002055.5 (MANE Select); coding-DNA position 234, C replaced by A.
Protein change: p.Asp78Glu; replaces aspartic acid 78 with glutamic acid.
Molecular consequence: missense variant.
Genome position (GRCh38, 1-based): chr17:44,915,253, G>T on the plus strand (C>A on the coding strand, the complement: GFAP is on the minus strand). VCF-style: chr17-44915253-G-T. GRCh37 (hg19) VCF-style: chr17-42992621-G-T.
Other names: c.234C>A, p.Asp78Glu (NM_001131019.3, NM_001242376.3, NM_001363846.2); short protein forms D78E.
Identifiers: ClinVar variation 16179 (VCV000016179.6), dbSNP rs121909720, ClinGen allele CA341388.